The following is an entry in ClinVar:

NM_001378454.1(ALMS1):c.12433T>C (p.Tyr4145His)

Gene: ALMS1 (ALMS1 centrosome and basal body associated protein; plus strand). Cytogenetic location: 2p13.1.
Variant type: single nucleotide variant.
Coding change: c.12433T>C on transcript NM_001378454.1 (MANE Select); coding-DNA position 12433, T replaced by C.
Protein change: p.Tyr4145His; replaces tyrosine 4145 with histidine.
Molecular consequence: missense variant.
Genome position (GRCh38, 1-based): chr2:73,608,545, T>C. VCF-style: chr2-73608545-T-C. GRCh37 (hg19) VCF-style: chr2-73835672-T-C.
Other names: c.12436T>C, p.Tyr4146His (NM_015120.4); short protein forms Y4145H, Y4146H.
Identifiers: ClinVar variation 2449613 (VCV002449613.2), dbSNP rs1207559655, ClinGen allele CA347275220.
Genomic context (GRCh38, chr2:73,608,545, plus strand): 5'-CAGCTTCCAGAAGTACAGAAAAAGAGAGAAGAAGAGAAGAGAAAATCAGAATATAAGTCA[T>C]ACCGGCTGCGAGCCCAGCTATATAAAAAGGTCAGTGGGTCCTCTGTCTAGAGTGGGATGG-3'
Protein context (NP_001365383.1, residues 4135-4155): EEKRKSEYKS[Tyr4145His]RLRAQLYKKR

ClinVar aggregate classification (germline): Uncertain significance (1 of 4 stars; one submission).

Conditions:
Cardiovascular phenotype. Identifiers: MedGen CN230736.

Allele frequency attached by ClinVar (database versions not stated): gnomAD exomes below 0.00001.

Submission:

Ambry Genetics
Classification: Uncertain significance for Cardiovascular phenotype. Last evaluated: 2023-03-10. Review status: criteria provided, single submitter. Criteria: Ambry Variant Classification Scheme 2023. Collection method: clinical testing. Allele origin: germline.
Comment: The p.Y4146H variant (also known as c.12436T>C), located in coding exon 22 of the ALMS1 gene, results from a T to C substitution at nucleotide position 12436. The tyrosine at codon 4146 is replaced by histidine, an amino acid with similar properties. This amino acid position is well conserved in available vertebrate species. In addition, the in silico prediction for this alteration is inconclusive. Since supporting evidence is limited at this time, the clinical significance of this alteration remains unclear.